The following is an entry in ClinVar:

ClinVar aggregate classification (germline): Uncertain significance (1 of 4 stars; one submission).

Conditions:
Epidermolysis bullosa simplex 5B, with muscular dystrophy (EBS5B). Also called: EPIDERMOLYSIS BULLOSA SIMPLEX AND LIMB-GIRDLE MUSCULAR DYSTROPHY; Epidermolysis bullosa simplex with muscular dystrophy. Identifiers: Orphanet 257, MedGen C2931072, MONDO:0009181, OMIM 226670.
Epidermolysis bullosa simplex, Ogna type (EBS5A). Also called: Pidermolysis bullosa simplex 5A, Ogna type; EPIDERMOLYSIS BULLOSA SIMPLEX 5A, OGNA TYPE. Identifiers: Orphanet 79401, MedGen C0432317, MONDO:0007555, OMIM 131950.
Epidermolysis bullosa simplex 5C, with pyloric atresia (EBS5C). Also called: PLEC-Related Epidermolysis Bullosa with Pyloric Atresia; Epidermolysis bullosa simplex with pyloric atresia; PLEC1-Related Epidermolysis Bullosa with Pyloric Atresia. Identifiers: Orphanet 158684, MedGen C2677349, MONDO:0012807, OMIM 612138.
Autosomal recessive limb-girdle muscular dystrophy type 2Q (LGMDR17). Also called: MUSCULAR DYSTROPHY, LIMB-GIRDLE, AUTOSOMAL RECESSIVE 17. Identifiers: Orphanet 254361, MedGen C3150989, MONDO:0013390, OMIM 613723.
Epidermolysis bullosa simplex with nail dystrophy (EBS5D). Identifiers: MedGen C4225309, MONDO:0014661, OMIM 616487.

Allele frequency attached by ClinVar (database versions not stated): TOPMed below 0.00001; ExAC 0.00001; 1000 Genomes Project 30x 0.00016; 1000 Genomes Project 0.00020.

Submission:

Labcorp Genetics (formerly Invitae), Labcorp
Classification: Uncertain significance for Autosomal recessive limb-girdle muscular dystrophy type 2Q; Epidermolysis bullosa simplex, Ogna type; Epidermolysis bullosa simplex with nail dystrophy; Epidermolysis bullosa simplex 5C, with pyloric atresia; Epidermolysis bullosa simplex 5B, with muscular dystrophy. Last evaluated: 2023-08-17. Review status: criteria provided, single submitter. Criteria: Invitae Variant Classification Sherloc (09022015). Collection method: clinical testing. Allele origin: germline.
Comment: This sequence change replaces arginine, which is basic and polar, with glutamine, which is neutral and polar, at codon 467 of the PLEC protein (p.Arg467Gln). This variant is present in population databases (rs570206245, gnomAD 0.007%). This variant has not been reported in the literature in individuals affected with PLEC-related conditions. ClinVar contains an entry for this variant (Variation ID: 2146108). Advanced modeling of protein sequence and biophysical properties (such as structural, functional, and spatial information, amino acid conservation, physicochemical variation, residue mobility, and thermodynamic stability) performed at Invitae indicates that this missense variant is not expected to disrupt PLEC protein function. In summary, the available evidence is currently insufficient to determine the role of this variant in disease. Therefore, it has been classified as a Variant of Uncertain Significance.

NM_201384.3(PLEC):c.1319G>A (p.Arg440Gln)

Gene: PLEC (plectin; minus strand). Cytogenetic location: 8q24.3.
Variant type: single nucleotide variant.
Coding change: c.1319G>A on transcript NM_201384.3 (MANE Select); coding-DNA position 1319, G replaced by A.
Protein change: p.Arg440Gln; replaces arginine 440 with glutamine.
Molecular consequence: missense variant.
Genome position (GRCh38, 1-based): chr8:143,933,296, C>T on the plus strand (G>A on the coding strand, the complement: PLEC is on the minus strand). VCF-style: chr8-143933296-C-T. GRCh37 (hg19) VCF-style: chr8-145007464-C-T.
Other names: c.1400G>A, p.Arg467Gln (NM_000445.5, NM_001410941.1); c.1277G>A, p.Arg426Gln (NM_201378.4); c.1253G>A, p.Arg418Gln (NM_201379.3); c.1730G>A, p.Arg577Gln (NM_201380.4); c.1223G>A, p.Arg408Gln (NM_201381.3); c.1319G>A, p.Arg440Gln (NM_201382.4); c.1331G>A, p.Arg444Gln (NM_201383.3); short protein forms R408Q, R418Q, R426Q, R444Q, R440Q, R467Q, R577Q.
Identifiers: ClinVar variation 2146108 (VCV002146108.4), dbSNP rs570206245, ClinGen allele CA4928017.
Genomic context (GRCh38, chr8:143,933,296, plus strand): 5'-TTGAGGGTCTGCACGTCGTTGAAGAGCAGCCGGATCATGCTATCCGCCTTGTCCAAGTCC[C>T]GTTCCACCTCCCCCGCCCGCTGTGGCACTTTGCCTGCAGCCAGCAGCCGGACATCCTGCA-3'
Protein context (NP_958786.1, residues 430-450): KVPQRAGEVE[Arg440Gln]DLDKADSMIR